The following is an entry in ClinVar:

ClinVar aggregate classification (germline): Uncertain significance (1 of 4 stars; one submission).

Submission:

Labcorp Genetics (formerly Invitae), Labcorp
Classification: Uncertain significance. Last evaluated: 2024-02-17. Review status: criteria provided, single submitter. Criteria: Invitae Variant Classification Sherloc (09022015). Collection method: clinical testing. Allele origin: germline.
Comment: This sequence change replaces proline, which is neutral and non-polar, with alanine, which is neutral and non-polar, at codon 274 of the FBLN5 protein (p.Pro274Ala). This variant is not present in population databases (gnomAD no frequency). This variant has not been reported in the literature in individuals affected with FBLN5-related conditions. Advanced modeling of protein sequence and biophysical properties (such as structural, functional, and spatial information, amino acid conservation, physicochemical variation, residue mobility, and thermodynamic stability) has been performed at Invitae for this missense variant, however the output from this modeling did not meet the statistical confidence thresholds required to predict the impact of this variant on FBLN5 protein function. In summary, the available evidence is currently insufficient to determine the role of this variant in disease. Therefore, it has been classified as a Variant of Uncertain Significance.

NM_006329.4(FBLN5):c.820C>G (p.Pro274Ala)

Gene: FBLN5 (fibulin 5; minus strand). Cytogenetic location: 14q32.12.
Variant type: single nucleotide variant.
Coding change: c.820C>G on transcript NM_006329.4 (MANE Select); coding-DNA position 820, C replaced by G.
Protein change: p.Pro274Ala; replaces proline 274 with alanine.
Molecular consequence: missense variant.
Genome position (GRCh38, 1-based): chr14:91,882,996, G>C on the plus strand (C>G on the coding strand, the complement: FBLN5 is on the minus strand). VCF-style: chr14-91882996-G-C. GRCh37 (hg19) VCF-style: chr14-92349340-G-C.
Other names: c.943C>G, p.Pro315Ala (NM_001384158.1); c.871C>G, p.Pro291Ala (NM_001384159.1); c.820C>G, p.Pro274Ala (NM_001384160.1); c.652C>G, p.Pro218Ala (NM_001384161.1, NM_001384162.1); short protein forms P315A, P291A, P218A, P274A.
Identifiers: ClinVar variation 3641506 (VCV003641506.2).
Genomic context (GRCh38, chr14:91,882,996, plus strand): 5'-CCCTCCGGACAGCCTTACCTTGGCAGCTTCGGTTGTCATCCAGCAGGATGTAGCCTGGAG[G>C]GCAGGAGCAGAAGTATGTGCCGGGCTGGTTCACACACTCATGTTGGCAGAGGAACTCAGA-3'
Protein context (NP_006320.2, residues 264-284): NQPGTYFCSC[Pro274Ala]PGYILLDDNR